The following is an entry in ClinVar:

NM_001122769.3(LCA5):c.1466del (p.Leu489fs)

Gene: LCA5 (lebercilin LCA5; minus strand). Cytogenetic location: 6q14.1.
Variant type: Deletion.
Coding change: c.1466del on transcript NM_001122769.3 (MANE Select); coding-DNA position 1466, one base deleted (T; older notation c.1466delT).
Protein change: p.Leu489fs; shifts the reading frame from leucine 489.
Molecular consequence: frameshift variant.
Genome position (GRCh38, 1-based): chr6:79,487,632, A deleted on the plus strand (T on the coding strand, the reverse complement: LCA5 is on the minus strand); the first of 4 consecutive A bases (chr6:79,487,632-79,487,635); deleting any one gives the same sequence. VCF-style (leftmost placement, unchanged base first): chr6-79487631-CA-C. GRCh37 (hg19) VCF-style: chr6-80197348-CA-C.
Other names: c.1466del, p.Leu489fs (NM_181714.4); short protein forms L489fs.
Identifiers: ClinVar variation 864411 (VCV000864411.12), dbSNP rs1240302846, ClinGen allele CA568599219.

ClinVar aggregate classification (germline): Pathogenic/Likely pathogenic. Review status: criteria provided, multiple submitters, no conflicts (2 of 4 stars). 4 submissions from 4 submitters: Pathogenic (3); Likely pathogenic (1). Last evaluated 2025-09-30.

Conditions:
LCA5-related disorder. Also called: LCA5-related condition.
Leber congenital amaurosis 5 (LCA5). Also called: Amaurosis congenita of Leber, type 5. Identifiers: Orphanet 65, MedGen C1858301, MONDO:0011473, OMIM 604537.

Submissions (4):

Natera, Inc.
Classification: Likely pathogenic for Leber congenital amaurosis type 5. Last evaluated: 2025-09-30. Review status: criteria provided, single submitter. Criteria: Natera Variant Classification Schema (03/2026). Collection method: clinical testing. Allele origin: germline.
Comment: The c.1466del variant in LCA5 is a frameshift variant predicted to shift the reading frame beginning at codon 489 and leads to a stop codon 104 codons downstream. This variant is expected to result in nonsense mediated decay, truncation, or a dysfunctional protein product. This variant is rare in the general population with a frequency below the threshold expected for the associated phenotype(s). This variant has been observed in one or more individuals affected with the associated recessive disease, as either homozygous or compound heterozygous with a second variant (PMID: 26047050). Additionally, this variant has been observed to segregate in affected family members (PMID: 26047050). Given the available evidence, this variant is classified as Likely Pathogenic.

Labcorp Genetics (formerly Invitae), Labcorp
Classification: Pathogenic. Last evaluated: 2023-12-03. Review status: criteria provided, single submitter. Criteria: Invitae Variant Classification Sherloc (09022015). Collection method: clinical testing. Allele origin: germline.
Comment: This sequence change creates a premature translational stop signal (p.Leu489Cysfs*104) in the LCA5 gene. While this is not anticipated to result in nonsense mediated decay, it is expected to disrupt the last 209 amino acid(s) of the LCA5 protein. This variant is present in population databases (no rsID available, gnomAD 0.0009%). This premature translational stop signal has been observed in individual(s) with Leber congenital amaurosis (PMID: 26047050). ClinVar contains an entry for this variant (Variation ID: 864411). This variant disrupts a region of the LCA5 protein in which other variant(s) (p.Lys586*) have been determined to be pathogenic (PMID: 23946133, 27624628). This suggests that this is a clinically significant region of the protein, and that variants that disrupt it are likely to be disease-causing. For these reasons, this variant has been classified as Pathogenic.

Baylor Genetics
Classification: Pathogenic for Leber congenital amaurosis 5. Last evaluated: 2023-09-14. Review status: criteria provided, single submitter. Criteria: ACMG Guidelines, 2015. Collection method: clinical testing. Allele origin: unknown.

Blueprint Genetics
Classification: Pathogenic for LCA5-related disorders. Last evaluated: 2023-08-31. Review status: criteria provided, single submitter. Criteria: ACMG Guidelines, 2015. Collection method: clinical testing. Allele origin: germline. Affected: yes. Observed: 3 variant alleles.

Literature cited by the submitters: PubMed 26047050 (cited by Natera, Inc. and Labcorp Genetics (formerly Invitae), Labcorp); PubMed 23946133 (cited by Labcorp Genetics (formerly Invitae), Labcorp); PubMed 27624628 (cited by Labcorp Genetics (formerly Invitae), Labcorp).